The following is an entry in ClinVar:

NM_139343.3(BIN1):c.40A>G (p.Ile14Val)

Gene: BIN1 (bridging integrator 1; minus strand). Cytogenetic location: 2q14.3.
Variant type: single nucleotide variant.
Coding change: c.40A>G on transcript NM_139343.3 (MANE Select); coding-DNA position 40, A replaced by G.
Protein change: p.Ile14Val; replaces isoleucine 14 with valine.
Molecular consequence: missense variant.
Genome position (GRCh38, 1-based): chr2:127,106,904, T>C on the plus strand (A>G on the coding strand, the complement: BIN1 is on the minus strand). VCF-style: chr2-127106904-T-C. GRCh37 (hg19) VCF-style: chr2-127864480-T-C.
Other names: c.40A>G, p.Ile14Val (NM_001320633.2, NM_001320640.2, NM_001320641.2 and 10 more transcripts); short protein forms I14V.
Identifiers: ClinVar variation 4781088 (VCV004781088.1).

ClinVar aggregate classification (germline): Uncertain significance (1 of 4 stars; one submission).

Conditions:
Myopathy, centronuclear, 2 (CNM2). Also called: MYOTUBULAR MYOPATHY, AUTOSOMAL RECESSIVE. Identifiers: Orphanet 169186, MedGen CN031787, MONDO:0009709, OMIM 255200.

Submission:

Labcorp Genetics (formerly Invitae), Labcorp
Classification: Uncertain significance for Myopathy, centronuclear, 2. Last evaluated: 2025-02-23. Review status: criteria provided, single submitter. Criteria: Invitae Variant Classification Sherloc (09022015). Collection method: clinical testing. Allele origin: germline.
Comment: This sequence change replaces isoleucine, which is neutral and non-polar, with valine, which is neutral and non-polar, at codon 14 of the BIN1 protein (p.Ile14Val). This variant is not present in population databases (gnomAD no frequency). This variant has not been reported in the literature in individuals affected with BIN1-related conditions. Invitae Evidence Modeling of protein sequence and biophysical properties (such as structural, functional, and spatial information, amino acid conservation, physicochemical variation, residue mobility, and thermodynamic stability) indicates that this missense variant is not expected to disrupt BIN1 protein function with a negative predictive value of 80%. In summary, the available evidence is currently insufficient to determine the role of this variant in disease. Therefore, it has been classified as a Variant of Uncertain Significance.